The following is an entry in ClinVar:

ClinVar aggregate classification (germline): Uncertain significance (1 of 4 stars; one submission).

Conditions:
Beckwith-Wiedemann syndrome (BWS). Also called: Exomphalos macroglossia gigantism syndrome; EMG SYNDROME. Identifiers: Orphanet 116, MedGen C0004903, MONDO:0007534, OMIM 130650.

Submission:

Labcorp Genetics (formerly Invitae), Labcorp
Classification: Uncertain significance for Beckwith-Wiedemann syndrome. Last evaluated: 2023-04-12. Review status: criteria provided, single submitter. Criteria: Invitae Variant Classification Sherloc (09022015). Collection method: clinical testing. Allele origin: germline.
Comment: In summary, the available evidence is currently insufficient to determine the role of this variant in disease. Therefore, it has been classified as a Variant of Uncertain Significance. This variant results in the deletion of part of exon 1 (c.672_820+239del ) of the CDKN1C gene. While this variant is not anticipated to result in nonsense mediated decay, it likely alters RNA splicing and results in a disrupted protein product. The frequency data for this variant in the population databases is considered unreliable, as metrics indicate insufficient coverage at this position in the gnomAD database. This variant has not been reported in the literature in individuals affected with CDKN1C-related conditions. Variants that disrupt the consensus splice site are a relatively common cause of aberrant splicing (PMID: 17576681, 9536098).

Literature cited by the submitters: PubMed 17576681; PubMed 9536098.

NM_001122630.2(CDKN1C):c.639_787+239del

Gene: CDKN1C (cyclin dependent kinase inhibitor 1C; minus strand). Cytogenetic location: 11p15.4.
Variant type: Deletion.
Coding change: c.639_787+239del on transcript NM_001122630.2 (MANE Select); coding-DNA position 639 through 239 bases into the intron after coding-DNA position 787, 388 bases deleted.
Molecular consequence: splice donor variant. On other transcripts: intron variant (1).
Genome position (GRCh38, 1-based): chr11:2,884,431-2,884,818, 388 bases deleted. GRCh37 (hg19): chr11:2,905,667-2,906,054.
Other names: c.255+384_256-297del (NM_001362475.2); c.639_787+239del (NM_001122631.2); c.672_820+239del (NM_001362474.2, NM_000076.2).
Identifiers: ClinVar variation 2844872 (VCV002844872.3), dbSNP rs2494381703, ClinGen allele CA2739276078.